The following is an entry in ClinVar:

NM_003839.4(TNFRSF11A):c.1252T>C (p.Ser418Pro)

Gene: TNFRSF11A (TNF receptor superfamily member 11a; plus strand). Cytogenetic location: 18q21.33.
Variant type: single nucleotide variant.
Coding change: c.1252T>C on transcript NM_003839.4 (MANE Select); coding-DNA position 1252, T replaced by C.
Protein change: p.Ser418Pro; replaces serine 418 with proline.
Molecular consequence: missense variant. On other transcripts: intron variant (3).
Genome position (GRCh38, 1-based): chr18:62,369,169, T>C. VCF-style: chr18-62369169-T-C. GRCh37 (hg19) VCF-style: chr18-60036402-T-C.
Other names: c.1210T>C, p.Ser404Pro (NM_001278268.2); c.783+2409T>C (NM_001270949.2); c.730+7376T>C (NM_001270950.2); c.616+9120T>C (NM_001270951.2); short protein forms S404P, S418P.
Identifiers: ClinVar variation 2764113 (VCV002764113.3), dbSNP rs2511593013, ClinGen allele CA402617578.
Genomic context (GRCh38, chr18:62,369,169, plus strand): 5'-GGTTCAGAAAGCTGCAACTGCACTGAGCCCCTGTGCAGGACTGATTGGACTCCCATGTCC[T>C]CTGAAAACTACTTGCAAAAAGAGGTGGACAGTGGCCATTGCCCGCACTGGGCAGCCAGCC-3'
Protein context (NP_003830.1, residues 408-428): LCRTDWTPMS[Ser418Pro]ENYLQKEVDS

ClinVar aggregate classification (germline): Uncertain significance (1 of 4 stars; one submission).

Submission:

Labcorp Genetics (formerly Invitae), Labcorp
Classification: Uncertain significance. Last evaluated: 2024-02-02. Review status: criteria provided, single submitter. Criteria: Invitae Variant Classification Sherloc (09022015). Collection method: clinical testing. Allele origin: germline.
Comment: This sequence change replaces serine, which is neutral and polar, with proline, which is neutral and non-polar, at codon 418 of the TNFRSF11A protein (p.Ser418Pro). This variant is not present in population databases (gnomAD no frequency). This variant has not been reported in the literature in individuals affected with TNFRSF11A-related conditions. Algorithms developed to predict the effect of missense changes on protein structure and function output the following: SIFT: "Not Available"; PolyPhen-2: "Benign"; Align-GVGD: "Not Available". The proline amino acid residue is found in multiple mammalian species, which suggests that this missense change does not adversely affect protein function. In summary, the available evidence is currently insufficient to determine the role of this variant in disease. Therefore, it has been classified as a Variant of Uncertain Significance.